The following is an entry in ClinVar:

ClinVar aggregate classification (germline): Benign/Likely benign. Review status: criteria provided, multiple submitters, no conflicts (2 of 4 stars). 5 submissions from 5 submitters: Benign (3); Likely benign (1). 1 of the submissions does not count toward it. Last evaluated 2026-01-23.

Conditions:
TIA1-related disorder. Also called: TIA1-related condition.
Welander distal myopathy (WDM). Also called: Gower's muscular dystrophy; Welander distal myopathy, Swedish type; Distal myopathy, Swedish type; MUSCULAR DYSTROPHY, DISTAL, LATE-ONSET, AUTOSOMAL DOMINANT. Identifiers: Orphanet 603, MedGen C0221054, MONDO:0011466, OMIM 604454.

Submissions (17):

Labcorp Genetics (formerly Invitae), Labcorp
Classification: Benign for Welander distal myopathy. Last evaluated: 2026-01-23. Review status: criteria provided, single submitter. Criteria: Invitae Variant Classification Sherloc (09022015). Collection method: clinical testing. Allele origin: germline.

Blueprint Genetics
Classification: Likely benign. Last evaluated: 2024-11-25. Review status: criteria provided, single submitter. Criteria: ACMG Guidelines, 2015. Collection method: clinical testing. Allele origin: germline.

Mayo Clinic Laboratories, Mayo Clinic
Classification: Benign. Last evaluated: 2023-01-13. Review status: criteria provided, single submitter. Criteria: ACMG Guidelines, 2015. Collection method: clinical testing. Allele origin: germline. Observed: 7 variant alleles.
Comment: BA1, BP4, BP7

Athena Diagnostics
Classification: Benign. Last evaluated: 2016-11-11. Review status: criteria provided, single submitter. Criteria: Athena Diagnostics Criteria. Collection method: clinical testing. Allele origin: germline.

PreventionGenetics, part of Exact Sciences
Classification: Likely benign for TIA1-related condition. Last evaluated: 2019-10-30. Review status: no assertion criteria provided. Collection method: clinical testing. Allele origin: germline. Not counted in ClinVar's aggregate classification.
Comment: This variant is classified as likely benign based on ACMG/AMP sequence variant interpretation guidelines (Richards et al. 2015 PMID: 25741868, with internal and published modifications).

Dr. Peter K. Rogan Lab, Western University
No classification provided (evidence only). Condition: Adrenocortical carcinoma, hereditary. Review status: no classification provided. Collection method: in vitro. Allele origin: not applicable. Functional consequence: retained intron. Not counted in ClinVar's aggregate classification.

Dr. Peter K. Rogan Lab, Western University
No classification provided (evidence only). Condition: Cervical cancer. Review status: no classification provided. Collection method: in vitro. Allele origin: not applicable. Functional consequence: retained intron. Not counted in ClinVar's aggregate classification.

Dr. Peter K. Rogan Lab, Western University
No classification provided (evidence only). Condition: Cholangiocarcinoma. Review status: no classification provided. Collection method: in vitro. Allele origin: not applicable. Functional consequence: retained intron. Not counted in ClinVar's aggregate classification.

Dr. Peter K. Rogan Lab, Western University
No classification provided (evidence only). Condition: Malignant lymphoma, large B-cell, diffuse. Review status: no classification provided. Collection method: in vitro. Allele origin: not applicable. Functional consequence: retained intron. Not counted in ClinVar's aggregate classification.

Dr. Peter K. Rogan Lab, Western University
No classification provided (evidence only). Condition: Malignant lymphoma, large B-cell, diffuse. Review status: no classification provided. Collection method: in vitro. Allele origin: not applicable. Functional consequence: retained intron. Not counted in ClinVar's aggregate classification.

Dr. Peter K. Rogan Lab, Western University
No classification provided (evidence only). Condition: Malignant lymphoma, large B-cell, diffuse. Review status: no classification provided. Collection method: in vitro. Allele origin: not applicable. Functional consequence: retained intron. Not counted in ClinVar's aggregate classification.

Dr. Peter K. Rogan Lab, Western University
No classification provided (evidence only). Condition: Malignant lymphoma, large B-cell, diffuse. Review status: no classification provided. Collection method: in vitro. Allele origin: not applicable. Functional consequence: retained intron. Not counted in ClinVar's aggregate classification.

Dr. Peter K. Rogan Lab, Western University
No classification provided (evidence only). Condition: Uterine corpus endometrial carcinoma. Review status: no classification provided. Collection method: in vitro. Allele origin: not applicable. Functional consequence: retained intron. Not counted in ClinVar's aggregate classification.

Dr. Peter K. Rogan Lab, Western University
No classification provided (evidence only). Condition: Uterine corpus endometrial carcinoma. Review status: no classification provided. Collection method: in vitro. Allele origin: not applicable. Functional consequence: retained intron. Not counted in ClinVar's aggregate classification.

Dr. Peter K. Rogan Lab, Western University
No classification provided (evidence only). Condition: Uterine corpus endometrial carcinoma. Review status: no classification provided. Collection method: in vitro. Allele origin: not applicable. Functional consequence: retained intron. Not counted in ClinVar's aggregate classification.

Dr. Peter K. Rogan Lab, Western University
No classification provided (evidence only). Condition: Malignant tumor of esophagus. Review status: no classification provided. Collection method: in vitro. Allele origin: not applicable. Functional consequence: retained intron. Not counted in ClinVar's aggregate classification.

Dr. Peter K. Rogan Lab, Western University
No classification provided (evidence only). Condition: Malignant tumor of esophagus. Review status: no classification provided. Collection method: in vitro. Allele origin: not applicable. Functional consequence: retained intron. Not counted in ClinVar's aggregate classification.

NM_022173.4(TIA1):c.223-3del

Gene: TIA1 (TIA1 cytotoxic granule associated RNA binding protein; minus strand). Cytogenetic location: 2p13.3.
Variant type: Deletion.
Coding change: c.223-3del on transcript NM_022173.4 (MANE Select); 3 bases into the intron before coding-DNA position 223, one base deleted (T; older notation c.223-3delT).
Molecular consequence: intron variant.
Genome position (GRCh38, 1-based): chr2:70,229,321, A deleted on the plus strand (T on the coding strand, the reverse complement: TIA1 is on the minus strand); the first of 12 consecutive A bases (chr2:70,229,321-70,229,332); deleting any one gives the same sequence. VCF-style (leftmost placement, unchanged base first): chr2-70229320-TA-T. GRCh37 (hg19) VCF-style: chr2-70456452-TA-T.
Other names: NC_000002.11:g.70456464del; p.?; c.223-14del (NM_022173.4); c.112-3del (NM_001351513.1, NM_001351511.1); c.118-3del (NM_001351512.1); c.28-3del (NM_001351514.2, NM_001351523.2); c.-198-3del (NM_001351524.2); c.-421-3del (NM_001351517.2); and 5 more.
Identifiers: ClinVar variation 448689 (VCV000448689.14), dbSNP rs750862626, ClinGen allele CA1697682.